The following is an entry in ClinVar:

ClinVar aggregate classification (germline): Uncertain significance (1 of 4 stars; one submission).

Allele frequency attached by ClinVar (database versions not stated): gnomAD 0.00001; TOPMed 0.00002.

Submission:

Labcorp Genetics (formerly Invitae), Labcorp
Classification: Uncertain significance. Last evaluated: 2023-10-29. Review status: criteria provided, single submitter. Criteria: Invitae Variant Classification Sherloc (09022015). Collection method: clinical testing. Allele origin: germline.
Comment: This sequence change replaces glycine, which is neutral and non-polar, with serine, which is neutral and polar, at codon 129 of the SRP54 protein (p.Gly129Ser). This variant is present in population databases (no rsID available, gnomAD 0.01%). This variant has not been reported in the literature in individuals affected with SRP54-related conditions. Advanced modeling of protein sequence and biophysical properties (such as structural, functional, and spatial information, amino acid conservation, physicochemical variation, residue mobility, and thermodynamic stability) performed at Invitae indicates that this missense variant is not expected to disrupt SRP54 protein function with a negative predictive value of 80%. In summary, the available evidence is currently insufficient to determine the role of this variant in disease. Therefore, it has been classified as a Variant of Uncertain Significance.

NM_003136.4(SRP54):c.385G>A (p.Gly129Ser)

Gene: SRP54 (signal recognition particle 54; plus strand). Cytogenetic location: 14q13.2.
Variant type: single nucleotide variant.
Coding change: c.385G>A on transcript NM_003136.4 (MANE Select); coding-DNA position 385, G replaced by A.
Protein change: p.Gly129Ser; replaces glycine 129 with serine.
Molecular consequence: missense variant.
Genome position (GRCh38, 1-based): chr14:35,008,651, G>A. VCF-style: chr14-35008651-G-A. GRCh37 (hg19) VCF-style: chr14-35477857-G-A.
Other names: c.238G>A, p.Gly80Ser (NM_001146282.2); c.385G>A, p.Gly129Ser (NM_001411017.1); short protein forms G80S, G129S.
Identifiers: ClinVar variation 2877453 (VCV002877453.3), dbSNP rs1270020128, ClinGen allele CA389439734.